The following is an entry in ClinVar:

NM_054027.6(ANKH):c.1373A>C (p.Lys458Thr)

Genes: ANKH (ANKH inorganic pyrophosphate transport regulator; minus strand), OTULIN (OTU deubiquitinase with linear linkage specificity; plus strand). Cytogenetic location: 5p15.2.
Variant type: single nucleotide variant.
Coding change: c.1373A>C on transcript NM_054027.6 (MANE Select); coding-DNA position 1373, A replaced by C.
Protein change: p.Lys458Thr; replaces lysine 458 with threonine.
Molecular consequence: missense variant.
Genome position (GRCh38, 1-based): chr5:14,711,303, T>G on the plus strand (A>C on the coding strand, the complement: ANKH is on the minus strand). VCF-style: chr5-14711303-T-G. GRCh37 (hg19) VCF-style: chr5-14711412-T-G.
Other names: short protein forms K458T.
Identifiers: ClinVar variation 3772309 (VCV003772309.13).

ClinVar aggregate classification (germline): Uncertain significance (1 of 4 stars; one submission).

Submission:

CeGaT Center for Human Genetics Tuebingen
Classification: Uncertain significance. Last evaluated: 2025-01-01. Review status: criteria provided, single submitter. Criteria: CeGaT Center For Human Genetics Tuebingen Variant Classification Criteria Version 2. Collection method: clinical testing. Allele origin: germline. Affected: yes. Observed: 1 variant allele.
Comment: ANKH: PM2